The following is an entry in ClinVar:

NM_020693.4(DSCAML1):c.5933C>A (p.Ala1978Asp)

Gene: DSCAML1 (DS cell adhesion molecule like 1; minus strand). Cytogenetic location: 11q23.3.
Variant type: single nucleotide variant.
Coding change: c.5933C>A on transcript NM_020693.4 (MANE Select); coding-DNA position 5933, C replaced by A.
Protein change: p.Ala1978Asp; replaces alanine 1978 with aspartic acid.
Molecular consequence: missense variant.
Genome position (GRCh38, 1-based): chr11:117,428,557, G>T on the plus strand (C>A on the coding strand, the complement: DSCAML1 is on the minus strand). VCF-style: chr11-117428557-G-T. GRCh37 (hg19) VCF-style: chr11-117299273-G-T.
Other names: short protein forms A1978D.
Identifiers: ClinVar variation 1953484 (VCV001953484.5), dbSNP rs200329592, ClinGen allele CA382751122.

ClinVar aggregate classification (germline): Uncertain significance (1 of 4 stars; one submission).

gnomAD v4.1: 19 of 1,550,674 alleles (0.0012%); highest among the groups gnomAD compares: Middle Eastern, 0.023%; no homozygotes.

Submission:

Labcorp Genetics (formerly Invitae), Labcorp
Classification: Uncertain significance. Last evaluated: 2022-05-18. Review status: criteria provided, single submitter. Criteria: Invitae Variant Classification Sherloc (09022015). Collection method: clinical testing. Allele origin: germline.
Comment: This sequence change replaces alanine, which is neutral and non-polar, with aspartic acid, which is acidic and polar, at codon 2038 of the DSCAML1 protein (p.Ala2038Asp). The frequency data for this variant in the population databases is considered unreliable, as metrics indicate poor data quality at this position in the gnomAD database. This variant has not been reported in the literature in individuals affected with DSCAML1-related conditions. Algorithms developed to predict the effect of missense changes on protein structure and function are either unavailable or do not agree on the potential impact of this missense change (SIFT: "Deleterious"; PolyPhen-2: "Benign"; Align-GVGD: "Class C0"). In summary, the available evidence is currently insufficient to determine the role of this variant in disease. Therefore, it has been classified as a Variant of Uncertain Significance.